The following is an entry in ClinVar:

NM_002641.4(PIGA):c.1188+4T>C

Gene: PIGA (phosphatidylinositol glycan anchor biosynthesis class A; minus strand). Cytogenetic location: Xp22.2.
Variant type: single nucleotide variant.
Coding change: c.1188+4T>C on transcript NM_002641.4 (MANE Select); 4 bases into the intron after coding-DNA position 1188, T replaced by C.
Molecular consequence: intron variant.
Genome position (GRCh38, 1-based): chrX:15,324,661, A>G on the plus strand (T>C on the coding strand, the complement: PIGA is on the minus strand). VCF-style: chrX-15324661-A-G. GRCh37 (hg19) VCF-style: chrX-15342783-A-G.
Other names: c.486+4T>C (NM_020473.3).
Identifiers: ClinVar variation 663262 (VCV000663262.12), dbSNP rs751261624, ClinGen allele CA10354081.

ClinVar aggregate classification (germline): Conflicting classifications of pathogenicity. Review status: criteria provided, conflicting classifications (1 of 4 stars). 2 submissions from 2 submitters: Uncertain significance (1); Benign (1). Last evaluated 2026-02-27.

Conditions:
Multiple congenital anomalies-hypotonia-seizures syndrome 2 (MCAHS2). Also called: GLYCOSYLPHOSPHATIDYLINOSITOL BIOSYNTHESIS DEFECT 4; EPILEPTIC ENCEPHALOPATHY, EARLY INFANTILE, 20. Identifiers: Orphanet 300496, MedGen C3275508, MONDO:0010466, OMIM 300868.

Allele frequency attached by ClinVar (database versions not stated): TOPMed below 0.00001; ExAC 0.00002; gnomAD exomes 0.00002.
gnomAD v4.1: 22 of 1,167,599 alleles (0.0019%); highest among the groups gnomAD compares: Non-Finnish European, 0.0025%; no homozygotes.

Submissions (2):

Women's Health and Genetics/Laboratory Corporation of America, LabCorp
Classification: Uncertain significance. Last evaluated: 2026-02-27. Review status: criteria provided, single submitter. Criteria: LabCorp Variant Classification Summary - May 2015. Collection method: clinical testing. Allele origin: germline.
Comment: Variant summary: PIGA c.1188+4T>C alters a conserved nucleotide located close to a canonical splice site and therefore could affect mRNA splicing, leading to a significantly altered protein sequence. Consensus agreement among computation tools predict no significant impact on normal splicing. However, these predictions have yet to be confirmed by functional studies. The variant allele was found at a frequency of 1.7e-05 in 181024 control chromosomes. The available data on variant occurrences in the general population are insufficient to allow any conclusion about variant significance. To our knowledge, no occurrence of c.1188+4T>C in individuals affected with PIGA-related conditions and no experimental evidence demonstrating its impact on protein function have been reported. ClinVar contains an entry for this variant (Variation ID: 663262). Based on the evidence outlined above, the variant was classified as uncertain significance.

Labcorp Genetics (formerly Invitae), Labcorp
Classification: Benign for Multiple congenital anomalies-hypotonia-seizures syndrome 2. Last evaluated: 2024-03-16. Review status: criteria provided, single submitter. Criteria: Invitae Variant Classification Sherloc (09022015). Collection method: clinical testing. Allele origin: germline.